The following is an entry in ClinVar:

NM_004415.4(DSP):c.3799C>G (p.Arg1267Gly)

Gene: DSP (desmoplakin; plus strand). Cytogenetic location: 6p24.3.
Variant type: single nucleotide variant.
Coding change: c.3799C>G on transcript NM_004415.4 (MANE Select); coding-DNA position 3799, C replaced by G.
Protein change: p.Arg1267Gly; replaces arginine 1267 with glycine.
Molecular consequence: missense variant. On other transcripts: intron variant (1).
Genome position (GRCh38, 1-based): chr6:7,579,989, C>G. VCF-style: chr6-7579989-C-G. GRCh37 (hg19) VCF-style: chr6-7580222-C-G.
Other names: c.3799C>G, p.Arg1267Gly (NM_001319034.2); c.3582+217C>G (NM_001008844.3); short protein forms R1267G.
Identifiers: ClinVar variation 1735007 (VCV001735007.3), dbSNP rs121912997, ClinGen allele CA362684882.
Genomic context (GRCh38, chr6:7,579,989, plus strand): 5'-CGAGATCTGAAGGATGAAATTGTCAGGCTCAATGACAGCATCTTGCAGGCCACTGAGCAG[C>G]GAAGGCGAGCTGAAGAAAACGCCCTTCAGCAAAAGGCCTGTGGCTCTGAGATAATGCAGA-3'
Protein context (NP_004406.2, residues 1257-1277): NDSILQATEQ[Arg1267Gly]RRAEENALQQ

ClinVar aggregate classification (germline): Uncertain significance. Review status: criteria provided, multiple submitters, no conflicts (2 of 4 stars). 2 submissions from 2 submitters: Uncertain significance (2). Last evaluated 2025-07-07.

Conditions:
Cardiovascular phenotype. Identifiers: MedGen CN230736.
Cardiomyopathy (CMYO). Also called: Cardiomyopathies. Identifiers: Orphanet 167848, MedGen C0878544, MONDO:0004994, HP:0001638. Inheritance: Various modes of inheritance.

Allele frequency attached by ClinVar (database versions not stated): TOPMed 0.00001.

Submissions (2):

Color Diagnostics, LLC DBA Color Health
Classification: Uncertain significance for Cardiomyopathy. Last evaluated: 2025-07-07. Review status: criteria provided, single submitter. Criteria: ACMG Guidelines, 2015. Collection method: clinical testing. Allele origin: germline.
Comment: This missense variant replaces arginine with glycine at codon 1267 of the DSP protein. Computational prediction is inconclusive regarding the impact of this variant on protein structure and function. To our knowledge, functional studies have not been reported for this variant. This variant has not been reported in individuals affected with DSP-related disorders in the literature. This variant has not been identified in the general population by the Genome Aggregation Database (gnomAD). The available evidence is insufficient to determine the role of this variant in disease conclusively. Therefore, this variant is classified as a Variant of Uncertain Significance.

Ambry Genetics
Classification: Uncertain significance for Cardiovascular phenotype. Last evaluated: 2022-05-02. Review status: criteria provided, single submitter. Criteria: Ambry Variant Classification Scheme 2023. Collection method: clinical testing. Allele origin: germline.
Comment: The p.R1267G variant (also known as c.3799C>G), located in coding exon 23 of the DSP gene, results from a C to G substitution at nucleotide position 3799. The arginine at codon 1267 is replaced by glycine, an amino acid with dissimilar properties. This amino acid position is not well conserved in available vertebrate species. In addition, the in silico prediction for this alteration is inconclusive. Since supporting evidence is limited at this time, the clinical significance of this alteration remains unclear.